The following is an entry in ClinVar:

ClinVar aggregate classification (germline): Uncertain significance (1 of 4 stars; one submission).

Conditions:
Cardiovascular phenotype. Identifiers: MedGen CN230736.

Submission:

Ambry Genetics
Classification: Uncertain significance for Cardiovascular phenotype. Last evaluated: 2023-08-14. Review status: criteria provided, single submitter. Criteria: Ambry Variant Classification Scheme 2023. Collection method: clinical testing. Allele origin: germline.
Comment: The c.4137G>T variant (also known as p.T1379T), located in coding exon 14 of the AKAP9 gene, results from a G to T substitution at nucleotide position 4137. This nucleotide substitution does not change the threonine at codon 1379. This nucleotide position is poorly conserved in available vertebrate species. In silico splice site analysis for this alteration is inconclusive. Since supporting evidence is limited at this time, the clinical significance of this alteration remains unclear.

NM_005751.5(AKAP9):c.4137G>T (p.Thr1379=)

Gene: AKAP9 (A-kinase anchoring protein 9; plus strand). Cytogenetic location: 7q21.2.
Variant type: single nucleotide variant.
Coding change: c.4137G>T on transcript NM_005751.5 (MANE Select); coding-DNA position 4137, G replaced by T.
Protein change: p.Thr1379=; no amino-acid change (threonine 1379 retained).
Molecular consequence: synonymous variant.
Genome position (GRCh38, 1-based): chr7:92,022,998, G>T. VCF-style: chr7-92022998-G-T. GRCh37 (hg19) VCF-style: chr7-91652312-G-T.
Other names: c.4137G>T, p.Thr1379= (NM_147185.3).
Identifiers: ClinVar variation 2626292 (VCV002626292.2), dbSNP rs766454113, ClinGen allele CA456450997.